The following is an entry in ClinVar:

NM_001042517.2(DIAPH3):c.3320-3T>C

Gene: DIAPH3 (diaphanous related formin 3; minus strand). Cytogenetic location: 13q21.2.
Variant type: single nucleotide variant.
Coding change: c.3320-3T>C on transcript NM_001042517.2 (MANE Select); 3 bases into the intron before coding-DNA position 3320, T replaced by C.
Molecular consequence: intron variant.
Genome position (GRCh38, 1-based): chr13:59,666,849, A>G on the plus strand (T>C on the coding strand, the complement: DIAPH3 is on the minus strand). VCF-style: chr13-59666849-A-G. GRCh37 (hg19) VCF-style: chr13-60240983-A-G.
Other names: c.3110-3T>C (NM_001258368.2); c.3182-3T>C (NM_001258367.2); c.3287-3T>C (NM_001258366.2).
Identifiers: ClinVar variation 1387634 (VCV001387634.6), dbSNP rs928385662, ClinGen allele CA250929967.

ClinVar aggregate classification (germline): Uncertain significance (1 of 4 stars; one submission).

Allele frequency attached by ClinVar (database versions not stated): gnomAD exomes below 0.00001; TOPMed below 0.00001.
gnomAD v4.1: 3 of 1,614,088 alleles (0.00019%); highest among the groups gnomAD compares: Non-Finnish European, 0.00017%; no homozygotes.

Submission:

Labcorp Genetics (formerly Invitae), Labcorp
Classification: Uncertain significance. Last evaluated: 2022-03-09. Review status: criteria provided, single submitter. Criteria: Invitae Variant Classification Sherloc (09022015). Collection method: clinical testing. Allele origin: germline.
Comment: This sequence change falls in intron 27 of the DIAPH3 gene. It does not directly change the encoded amino acid sequence of the DIAPH3 protein. It affects a nucleotide within the consensus splice site. This variant is present in population databases (no rsID available, gnomAD 0.007%). In summary, the available evidence is currently insufficient to determine the role of this variant in disease. Therefore, it has been classified as a Variant of Uncertain Significance. Variants that disrupt the consensus splice site are a relatively common cause of aberrant splicing (PMID: 17576681, 9536098). Algorithms developed to predict the effect of sequence changes on RNA splicing suggest that this variant is not likely to affect RNA splicing. This variant has not been reported in the literature in individuals affected with DIAPH3-related conditions.

Literature cited by the submitters: PubMed 17576681; PubMed 9536098.